The following is an entry in ClinVar:

NM_032447.5(FBN3):c.7703-10C>T

Gene: FBN3 (fibrillin 3; minus strand). Cytogenetic location: 19p13.2.
Variant type: single nucleotide variant.
Coding change: c.7703-10C>T on transcript NM_032447.5 (MANE Select); 10 bases into the intron before coding-DNA position 7703, C replaced by T.
Molecular consequence: intron variant.
Genome position (GRCh38, 1-based): chr19:8,073,307, G>A on the plus strand (C>T on the coding strand, the complement: FBN3 is on the minus strand). VCF-style: chr19-8073307-G-A. GRCh37 (hg19) VCF-style: chr19-8138191-G-A.
Other names: c.7703-10C>T (NM_001321431.2).
Identifiers: ClinVar variation 3049628 (VCV003049628.4), dbSNP rs768296078, ClinGen allele CA9150765.

ClinVar aggregate classification (germline): Likely benign. Review status: criteria provided, single submitter (1 of 4 stars). 2 submissions from 2 submitters: Likely benign (1). 1 of the submissions does not count toward it. Last evaluated 2025-05-21.

Conditions:
FBN3-related disorder. Also called: FBN3-related condition.

Allele frequency attached by ClinVar (database versions not stated): ExAC 0.00005; gnomAD exomes 0.00005; gnomAD 0.00002; TOPMed 0.00002.
gnomAD v4.1: 77 of 1,608,622 alleles (0.0048%); highest among the groups gnomAD compares: Admixed American, 0.0084%; no homozygotes.

Submissions (2):

Labcorp Genetics (formerly Invitae), Labcorp
Classification: Likely benign. Last evaluated: 2025-05-21. Review status: criteria provided, single submitter. Criteria: Invitae Variant Classification Sherloc (09022015). Collection method: clinical testing. Allele origin: germline.

PreventionGenetics, part of Exact Sciences
Classification: Likely benign for FBN3-related condition. Last evaluated: 2019-07-22. Review status: no assertion criteria provided. Collection method: clinical testing. Allele origin: germline. Not counted in ClinVar's aggregate classification.
Comment: This variant is classified as likely benign based on ACMG/AMP sequence variant interpretation guidelines (Richards et al. 2015 PMID: 25741868, with internal and published modifications).